The following is an entry in ClinVar:

ClinVar aggregate classification (germline): Uncertain significance (1 of 4 stars; one submission).

Conditions:
LMAN2L-related disorder. Also called: LMAN2L-related condition.

Submission:

PreventionGenetics, part of Exact Sciences
Classification: Uncertain significance for LMAN2L-related condition. Last evaluated: 2024-12-27. Review status: criteria provided, single submitter. Criteria: ACMG Guidelines, 2015. Collection method: clinical testing. Allele origin: germline.
Comment: The LMAN2L c.187+4A>G variant is predicted to interfere with splicing. This variant is predicted to alter splicing based on available splicing prediction programs (SpliceAI, Jaganathan et al. 2019. PubMed ID: 30661751). To our knowledge, this variant has not been reported in the literature or in a large population database (gnomAD), indicating this variant is rare. At this time, the clinical significance of this variant is uncertain due to the absence of conclusive functional and genetic evidence.

NM_030805.4(LMAN2L):c.187+4A>G

Gene: LMAN2L (lectin, mannose binding 2 like; minus strand). Cytogenetic location: 2q11.2.
Variant type: single nucleotide variant.
Coding change: c.187+4A>G on transcript NM_030805.4 (MANE Select); 4 bases into the intron after coding-DNA position 187, A replaced by G.
Molecular consequence: intron variant. On other transcripts: 5 prime UTR variant (1).
Genome position (GRCh38, 1-based): chr2:96,739,850, T>C on the plus strand (A>G on the coding strand, the complement: LMAN2L is on the minus strand). VCF-style: chr2-96739850-T-C. GRCh37 (hg19) VCF-style: chr2-97405587-T-C.
Other names: c.-176A>G (NM_001322354.2); c.-47+4A>G (NM_001322351.2); c.-109+4A>G (NM_001322350.2, NM_001322347.2); c.-166+4A>G (NM_001322356.2, NM_001322346.2); c.187+4A>G (NM_001142292.2); c.-247+4A>G (NM_001322355.2); c.-309+4A>G (NM_001322352.2).
Identifiers: ClinVar variation 4997856 (VCV004997856.1).